The following is an entry in ClinVar:

ClinVar aggregate classification (germline): Conflicting classifications of pathogenicity. Review status: criteria provided, conflicting classifications (1 of 4 stars). 3 submissions from 3 submitters: Uncertain significance (2); Benign (1). Last evaluated 2025-06-22.

Conditions:
Familial thoracic aortic aneurysm and aortic dissection (TAAD). Also called: Thoracic aortic aneurysms and dissections. Identifiers: Orphanet 91387, MedGen C4707243, MONDO:0019625.

Allele frequency attached by ClinVar (database versions not stated): gnomAD 0.00005 and 0.00006; 1000 Genomes Project 30x 0.00016.

Submissions (3):

Ambry Genetics
Classification: Uncertain significance for Familial thoracic aortic aneurysm and aortic dissection. Last evaluated: 2025-06-22. Review status: criteria provided, single submitter. Criteria: Ambry Variant Classification Scheme 2023. Collection method: clinical testing. Allele origin: germline.
Comment: The p.T32A variant (also known as c.94A>G), located in coding exon 1 of the TGFBR1 gene, results from an A to G substitution at nucleotide position 94. The threonine at codon 32 is replaced by alanine, an amino acid with similar properties. This amino acid position is conserved. In addition, this alteration is predicted to be tolerated by in silico analysis. Since supporting evidence is limited at this time, the clinical significance of this alteration remains unclear.

ARUP Laboratories, Molecular Genetics and Genomics, ARUP Laboratories
Classification: Uncertain significance. Last evaluated: 2025-05-14. Review status: criteria provided, single submitter. Criteria: ARUP Molecular Germline Variant Investigation Process 2024. Collection method: clinical testing. Allele origin: germline.
Comment: The TGFBR1 c.94A>G; p.Thr32Ala variant (rs1319771049), to our knowledge, is not reported in the medical literature but is reported in ClinVar (Variation ID: 664481). This variant is only observed on one allele in the Genome Aggregation Database (v2.1.1), indicating it is not a common polymorphism. Computational analyses are uncertain whether this variant is neutral or deleterious (REVEL: 0.307). Due to limited information, the clinical significance of this variant is uncertain at this time.

Labcorp Genetics (formerly Invitae), Labcorp
Classification: Benign for Familial thoracic aortic aneurysm and aortic dissection. Last evaluated: 2024-03-21. Review status: criteria provided, single submitter. Criteria: Invitae Variant Classification Sherloc (09022015). Collection method: clinical testing. Allele origin: germline.

NM_004612.4(TGFBR1):c.94A>G (p.Thr32Ala)

Gene: TGFBR1 (transforming growth factor beta receptor 1; plus strand). Cytogenetic location: 9q22.33.
Variant type: single nucleotide variant.
Coding change: c.94A>G on transcript NM_004612.4 (MANE Select); coding-DNA position 94, A replaced by G.
Protein change: p.Thr32Ala; replaces threonine 32 with alanine.
Molecular consequence: missense variant.
Genome position (GRCh38, 1-based): chr9:99,105,299, A>G. VCF-style: chr9-99105299-A-G. GRCh37 (hg19) VCF-style: chr9-101867581-A-G.
Other names: c.94A>G, p.Thr32Ala (NM_001130916.3, NM_001306210.2); short protein forms T32A.
Identifiers: ClinVar variation 664481 (VCV000664481.16), dbSNP rs1319771049, ClinGen allele CA374223898.